The following is an entry in ClinVar:

ClinVar aggregate classification (germline): Uncertain significance (1 of 4 stars; one submission).

Conditions:
Neuroblastoma, susceptibility to, 3. Also called: ALK-Related Neuroblastic Tumor Susceptibility. Identifiers: Orphanet 635, MedGen C2751681, MONDO:0013083, OMIM 613014.

Allele frequency attached by ClinVar (database versions not stated): gnomAD exomes below 0.00001; TOPMed below 0.00001.
gnomAD v4.1: 1 of 1,612,674 alleles (0.000062%); no homozygotes.

Submission:

Labcorp Genetics (formerly Invitae), Labcorp
Classification: Uncertain significance for Neuroblastoma, susceptibility to, 3. Last evaluated: 2023-05-17. Review status: criteria provided, single submitter. Criteria: Invitae Variant Classification Sherloc (09022015). Collection method: clinical testing. Allele origin: germline.
Comment: In summary, the available evidence is currently insufficient to determine the role of this variant in disease. Therefore, it has been classified as a Variant of Uncertain Significance. An algorithm developed to predict the effect of missense changes on protein structure and function (PolyPhen-2) suggests that this variant is likely to be tolerated. This variant has not been reported in the literature in individuals affected with ALK-related conditions. The frequency data for this variant in the population databases is considered unreliable, as metrics indicate poor data quality at this position in the gnomAD database. This sequence change replaces arginine, which is basic and polar, with leucine, which is neutral and non-polar, at codon 65 of the ALK protein (p.Arg65Leu).

NM_004304.5(ALK):c.194G>T (p.Arg65Leu)

Gene: ALK (ALK receptor tyrosine kinase; minus strand). Cytogenetic location: 2p23.1.
Variant type: single nucleotide variant.
Coding change: c.194G>T on transcript NM_004304.5 (MANE Select); coding-DNA position 194, G replaced by T.
Protein change: p.Arg65Leu; replaces arginine 65 with leucine.
Molecular consequence: missense variant.
Genome position (GRCh38, 1-based): chr2:29,920,466, C>A on the plus strand (G>T on the coding strand, the complement: ALK is on the minus strand). VCF-style: chr2-29920466-C-A. GRCh37 (hg19) VCF-style: chr2-30143332-C-A.
Other names: short protein forms R65L.
Identifiers: ClinVar variation 2868342 (VCV002868342.3), dbSNP rs896359840, ClinGen allele CA45004779.
Genomic context (GRCh38, chr2:29,920,466, plus strand): 5'-GGCCTGCCAGCCTTCAGCTCCGAGGAGGATGGTGGCAGCAGTAGGTCCCGGGCGTAGACA[C>A]GGAAGAGCGAGGGCACCACGAAGTCAACTGCCAGACTCTTCCTCTGCAGGCGCGAGTAGC-3'
Protein context (NP_004295.2, residues 55-75): AVDFVVPSLF[Arg65Leu]VYARDLLLPP